The following is an entry in ClinVar:

NM_025137.4(SPG11):c.5199del (p.Lys1733fs)

Gene: SPG11 (SPG11 vesicle trafficking associated, spatacsin; minus strand). Cytogenetic location: 15q21.1.
Variant type: Deletion.
Coding change: c.5199del on transcript NM_025137.4 (MANE Select); coding-DNA position 5199, one base deleted (A; older notation c.5199delA).
Protein change: p.Lys1733fs; shifts the reading frame from lysine 1733.
Molecular consequence: frameshift variant.
Genome position (GRCh38, 1-based): chr15:44,584,481, T deleted on the plus strand (A on the coding strand, the reverse complement: SPG11 is on the minus strand); the first of 6 consecutive T bases (chr15:44,584,481-44,584,486); deleting any one gives the same sequence. VCF-style (leftmost placement, unchanged base first): chr15-44584480-AT-A. GRCh37 (hg19) VCF-style: chr15-44876678-AT-A.
Other names: c.5199del, p.Lys1733fs (NM_001160227.2); short protein forms K1733fs.
Identifiers: ClinVar variation 804472 (VCV000804472.6), dbSNP rs779268551, ClinGen allele CA915946006.
Genomic context (GRCh38, chr15:44,584,480, plus strand): 5'-TTGAGAAAAAGGAAGAAGCTGCTTTGCTTGAAATTGAATTTTTCTTAAAATTCTCATGGC[AT>A]TTTTTCCAGAAGTCAATTCTTGCTTGTTTTAGTGACCACTGTTCAATGTGTTTTAGGGTC-3'

ClinVar aggregate classification (germline): Pathogenic/Likely pathogenic. Review status: criteria provided, multiple submitters, no conflicts (2 of 4 stars). 3 submissions from 3 submitters: Pathogenic (2); Likely pathogenic (1). Last evaluated 2025-07-27.

Conditions:
Hereditary spastic paraplegia 11. Also called: Nakamura Osame syndrome; Autosomal recessive hereditary spastic paraplegia, mental impairment, and thin corpus callosum; Spastic paraplegia, mental retardation and thin corpus callosum; SPASTIC PARAPLEGIA, AUTOSOMAL RECESSIVE, COMPLICATED, WITH THIN CORPUS CALLOSUM; SPASTIC PARAPLEGIA, AUTOSOMAL RECESSIVE, WITH MENTAL IMPAIRMENT AND THIN CORPUS CALLOSUM; Spastic Paraplegia 11. Identifiers: Orphanet 2822, MedGen C1858479, MONDO:0011445, OMIM 604360.
Amyotrophic lateral sclerosis type 5 (ALS5). Also called: AMYOTROPHIC LATERAL SCLEROSIS 5, JUVENILE. Identifiers: Orphanet 300605, MedGen C1865864, MONDO:0011196, OMIM 602099.
Charcot-Marie-Tooth disease axonal type 2X. Also called: CHARCOT-MARIE-TOOTH DISEASE, AXONAL, AUTOSOMAL RECESSIVE, TYPE 2X; CHARCOT-MARIE-TOOTH NEUROPATHY, TYPE 2X. Identifiers: Orphanet 466775, MedGen C5569024, MONDO:0014726, OMIM 616668.

Submissions (3):

Labcorp Genetics (formerly Invitae), Labcorp
Classification: Pathogenic for Hereditary spastic paraplegia 11. Last evaluated: 2025-07-27. Review status: criteria provided, single submitter. Criteria: Invitae Variant Classification Sherloc (09022015). Collection method: clinical testing. Allele origin: germline.
Comment: This sequence change creates a premature translational stop signal (p.Lys1733Asnfs*105) in the SPG11 gene. It is expected to result in an absent or disrupted protein product. Loss-of-function variants in SPG11 are known to be pathogenic (PMID: 19105190, 20110243, 22154821, 26556829). This variant is not present in population databases (gnomAD no frequency). This premature translational stop signal has been observed in individual(s) with amyotrophic lateral sclerosis and hereditary spastic paraplegia (PMID: 22154821). It has also been observed to segregate with disease in related individuals. ClinVar contains an entry for this variant (Variation ID: 804472). For these reasons, this variant has been classified as Pathogenic.

Clinical Genomics Laboratory, Washington University in St. Louis
Classification: Pathogenic for Hereditary spastic paraplegia 11. Last evaluated: 2023-12-21. Review status: criteria provided, single submitter. Criteria: ACMG Guidelines, 2015. Collection method: clinical testing. Allele origin: germline. Affected: yes.
Comment: The SPG11 c.5199del (p.Lys1733AsnfsTer105) variant has been reported in two siblings, one diagnosed with spastic paraplegia and the other with juvenile-onset amyotrophic lateral sclerosis, confirmed in trans to a different frameshift variant (Daoud H et al., PMID: 22154821). This variant has been reported in the ClinVar database as a germline likely pathogenic variant by one submitter and is absent from the general population (gnomAD v.2.1.1), indicating it is not a common variant. This variant causes a frameshift by deleting a single nucleotide, leading to a premature termination codon, which is predicted to lead to nonsense mediated decay. Additionally, other variants that introduce premature termination codons have been reported in affected individuals and are considered pathogenic (Montecchiani C et al., PMID: 26556829). Based on available information and the ACMG/AMP guidelines for variant interpretation (Richards S et al., PMID: 25741868), this variant is classified as pathogenic.

Hadassah Hebrew University Medical Center
Classification: Likely pathogenic for Amyotrophic lateral sclerosis type 5; Charcot-Marie-Tooth disease axonal type 2X; Hereditary spastic paraplegia 11. Last evaluated: 2019-06-20. Review status: criteria provided, single submitter. Criteria: ACMG Guidelines, 2015. Collection method: clinical testing. Allele origin: germline. Inheritance: Autosomal recessive inheritance. Affected: yes.

Literature cited by the submitters: PubMed 19105190 (cited by Labcorp Genetics (formerly Invitae), Labcorp); PubMed 20110243 (cited by Labcorp Genetics (formerly Invitae), Labcorp); PubMed 22154821 (cited by Labcorp Genetics (formerly Invitae), Labcorp); PubMed 26556829 (cited by Labcorp Genetics (formerly Invitae), Labcorp).